The following is an entry in ClinVar:

NM_201384.3(PLEC):c.4128C>T (p.Ala1376=)

Gene: PLEC (plectin; minus strand). Cytogenetic location: 8q24.3.
Variant type: single nucleotide variant.
Coding change: c.4128C>T on transcript NM_201384.3 (MANE Select); coding-DNA position 4128, C replaced by T.
Protein change: p.Ala1376=; no amino-acid change (alanine 1376 retained).
Molecular consequence: synonymous variant.
Genome position (GRCh38, 1-based): chr8:143,925,801, G>A on the plus strand (C>T on the coding strand, the complement: PLEC is on the minus strand). VCF-style: chr8-143925801-G-A. GRCh37 (hg19) VCF-style: chr8-144999969-G-A.
Other names: c.4209C>T (NM_000445.4); c.4209C>T, p.Ala1403= (NM_000445.5); c.4086C>T, p.Ala1362= (NM_201378.4); c.4062C>T, p.Ala1354= (NM_201379.3); c.4539C>T, p.Ala1513= (NM_201380.4); c.4032C>T, p.Ala1344= (NM_201381.3); c.4128C>T, p.Ala1376= (NM_201382.4); c.4140C>T, p.Ala1380= (NM_201383.3).
Identifiers: ClinVar variation 1098952 (VCV001098952.8), dbSNP rs782430534, ClinGen allele CA4926761.

ClinVar aggregate classification (germline): Likely benign. Review status: criteria provided, multiple submitters, no conflicts (2 of 4 stars). 2 submissions from 2 submitters: Likely benign (2). Last evaluated 2026-05-22.

Conditions:
PLEC-related disorder. Also called: PLEC-related disorders; PLEC-related condition.
Epidermolysis bullosa simplex with nail dystrophy (EBS5D). Identifiers: MedGen C4225309, MONDO:0014661, OMIM 616487.
Autosomal recessive limb-girdle muscular dystrophy type 2Q (LGMDR17). Also called: MUSCULAR DYSTROPHY, LIMB-GIRDLE, AUTOSOMAL RECESSIVE 17. Identifiers: Orphanet 254361, MedGen C3150989, MONDO:0013390, OMIM 613723.
Epidermolysis bullosa simplex, Ogna type (EBS5A). Also called: Pidermolysis bullosa simplex 5A, Ogna type; EPIDERMOLYSIS BULLOSA SIMPLEX 5A, OGNA TYPE. Identifiers: Orphanet 79401, MedGen C0432317, MONDO:0007555, OMIM 131950.
Epidermolysis bullosa simplex 5C, with pyloric atresia (EBS5C). Also called: PLEC-Related Epidermolysis Bullosa with Pyloric Atresia; Epidermolysis bullosa simplex with pyloric atresia; PLEC1-Related Epidermolysis Bullosa with Pyloric Atresia. Identifiers: Orphanet 158684, MedGen C2677349, MONDO:0012807, OMIM 612138.
Epidermolysis bullosa simplex 5B, with muscular dystrophy (EBS5B). Also called: EPIDERMOLYSIS BULLOSA SIMPLEX AND LIMB-GIRDLE MUSCULAR DYSTROPHY; Epidermolysis bullosa simplex with muscular dystrophy. Identifiers: Orphanet 257, MedGen C2931072, MONDO:0009181, OMIM 226670.

Allele frequency attached by ClinVar (database versions not stated): gnomAD exomes 0.00003; ExAC 0.00005; gnomAD 0.00005; TOPMed 0.00005.
gnomAD v4.1: 49 of 1,572,012 alleles (0.0031%); highest among the groups gnomAD compares: African/African-American, 0.0094%; no homozygotes.

Submissions (2):

PreventionGenetics, part of Exact Sciences
Classification: Likely benign for PLEC-related condition. Last evaluated: 2026-05-22. Review status: criteria provided, single submitter. Criteria: ACMG Guidelines, 2015. Collection method: clinical testing. Allele origin: germline.
Comment: This variant is classified as likely benign based on ACMG/AMP sequence variant interpretation guidelines (Richards et al. 2015 PMID: 25741868, with internal and published modifications).

Labcorp Genetics (formerly Invitae), Labcorp
Classification: Likely benign for Autosomal recessive limb-girdle muscular dystrophy type 2Q; Epidermolysis bullosa simplex, Ogna type; Epidermolysis bullosa simplex with nail dystrophy; Epidermolysis bullosa simplex 5C, with pyloric atresia; Epidermolysis bullosa simplex 5B, with muscular dystrophy. Last evaluated: 2024-05-02. Review status: criteria provided, single submitter. Criteria: Invitae Variant Classification Sherloc (09022015). Collection method: clinical testing. Allele origin: germline.